The following is an entry in ClinVar:

ClinVar aggregate classification (germline): Likely benign (1 of 4 stars; one submission).

gnomAD v4.1: 3 of 1,614,120 alleles (0.00019%); highest among the groups gnomAD compares: Non-Finnish European, 0.00025%; no homozygotes.

Submission:

CeGaT Center for Human Genetics Tuebingen
Classification: Likely benign. Last evaluated: 2025-02-01. Review status: criteria provided, single submitter. Criteria: CeGaT Center For Human Genetics Tuebingen Variant Classification Criteria Version 2. Collection method: clinical testing. Allele origin: germline. Affected: yes. Observed: 1 variant allele.
Comment: CRBN: BP4, BP7

NM_016302.4(CRBN):c.1089T>C (p.Tyr363=)

Genes: CRBN (cereblon; minus strand), TRNT1 (tRNA nucleotidyl transferase 1; plus strand). Cytogenetic location: 3p26.2.
Variant type: single nucleotide variant.
Coding change: c.1089T>C on transcript NM_016302.4 (MANE Select); coding-DNA position 1089, T replaced by C.
Protein change: p.Tyr363=; no amino-acid change (tyrosine 363 retained).
Molecular consequence: synonymous variant. On other transcripts: 3 prime UTR variant (1), non-coding transcript variant (4).
Genome position (GRCh38, 1-based): chr3:3,152,515, A>G on the plus strand (T>C on the coding strand, the complement: CRBN is on the minus strand). VCF-style: chr3-3152515-A-G. GRCh37 (hg19) VCF-style: chr3-3194199-A-G.
Other names: c.*2009A>G (NM_001367321.1); c.1086T>C, p.Tyr362= (NM_001173482.1).
Identifiers: ClinVar variation 3772594 (VCV003772594.13).